The following is an entry in ClinVar:

NM_017617.5(NOTCH1):c.1669+9T>C

Gene: NOTCH1 (notch receptor 1; minus strand). Cytogenetic location: 9q34.3.
Variant type: single nucleotide variant.
Coding change: c.1669+9T>C on transcript NM_017617.5 (MANE Select); 9 bases into the intron after coding-DNA position 1669, T replaced by C.
Molecular consequence: intron variant.
Genome position (GRCh38, 1-based): chr9:136,515,972, A>G on the plus strand (T>C on the coding strand, the complement: NOTCH1 is on the minus strand). VCF-style: chr9-136515972-A-G. GRCh37 (hg19) VCF-style: chr9-139410424-A-G.
Other names: p.?; c.1669+9T>C (NM_017617.4, LRG_1122t1).
Identifiers: ClinVar variation 383780 (VCV000383780.24), dbSNP rs3125006, ClinGen allele CA5341692.

ClinVar aggregate classification (germline): Benign. Review status: criteria provided, multiple submitters, no conflicts (2 of 4 stars). 13 submissions from 12 submitters: Benign (8). 5 of the submissions do not count toward it. Last evaluated 2026-02-04.

Conditions:
Adams-Oliver syndrome 5 (AOS5). Identifiers: Orphanet 974, MedGen C4014970, MONDO:0014459, OMIM 616028.
Aortic valve disease 1 (AOVD1). Identifiers: MedGen C3887892, MONDO:0024523, OMIM 109730.

Allele frequency attached by ClinVar (database versions not stated): ExAC 0.87041; ESP Exome Variant Server 0.87330; gnomAD 0.87879 and 0.88208; TOPMed 0.87904; 1000 Genomes Project 30x 0.88398; 1000 Genomes Project 0.88399.
gnomAD v4.1: 1,388,518 of 1,604,098 alleles (87%); highest among the groups gnomAD compares: East Asian, 94%; 602,034 homozygotes.

Submissions (13):

Labcorp Genetics (formerly Invitae), Labcorp
Classification: Benign for Adams-Oliver syndrome 5. Last evaluated: 2026-02-04. Review status: criteria provided, single submitter. Criteria: Invitae Variant Classification Sherloc (09022015). Collection method: clinical testing. Allele origin: germline.

Blueprint Genetics
Classification: Benign. Last evaluated: 2024-11-27. Review status: criteria provided, single submitter. Criteria: ACMG Guidelines, 2015. Collection method: clinical testing. Allele origin: germline.

Women's Health and Genetics/Laboratory Corporation of America, LabCorp
Classification: Benign. Last evaluated: 2023-04-04. Review status: criteria provided, single submitter. Criteria: LabCorp Variant Classification Summary - May 2015. Collection method: clinical testing. Allele origin: germline.

Genome-Nilou Lab
Classification: Benign for Adams-Oliver syndrome 5. Last evaluated: 2021-09-05. Review status: criteria provided, single submitter. Criteria: ACMG Guidelines, 2015. Collection method: clinical testing. Allele origin: germline. Affected: no.

Genome-Nilou Lab
Classification: Benign for Aortic valve disease 1. Last evaluated: 2021-09-05. Review status: criteria provided, single submitter. Criteria: ACMG Guidelines, 2015. Collection method: clinical testing. Allele origin: germline. Affected: no.

Mayo Clinic Laboratories, Mayo Clinic
Classification: Benign. Last evaluated: 2017-11-10. Review status: criteria provided, single submitter. Criteria: ACMG Guidelines, 2015. Collection method: clinical testing. Allele origin: germline. Observed: 1,469 variant alleles.

GeneDx
Classification: Benign. Last evaluated: 2016-09-22. Review status: criteria provided, single submitter. Criteria: GeneDx Variant Classification (06012015). Collection method: clinical testing. Allele origin: germline. Affected: yes.
Comment: This variant is considered likely benign or benign based on one or more of the following criteria: it is a conservative change, it occurs at a poorly conserved position in the protein, it is predicted to be benign by multiple in silico algorithms, and/or has population frequency not consistent with disease.

Breakthrough Genomics
Classification: Benign. Review status: criteria provided, single submitter. Criteria: ACMG Guidelines, 2015. Collection method: not provided. Allele origin: germline. Inheritance: Autosomal dominant inheritance. Affected: yes.

Clinical Genetics DNA and cytogenetics Diagnostics Lab, Erasmus MC, Erasmus Medical Center
Classification: Benign. Review status: no assertion criteria provided. Collection method: clinical testing. Allele origin: germline. Affected: yes. Study: VKGL Data-share Consensus. Not counted in ClinVar's aggregate classification.

Clinical Genetics, Academic Medical Center
Classification: Benign. Review status: no assertion criteria provided. Collection method: clinical testing. Allele origin: germline. Affected: yes. Study: VKGL Data-share Consensus. Not counted in ClinVar's aggregate classification.

Diagnostic Laboratory, Department of Genetics, University Medical Center Groningen
Classification: Benign. Review status: no assertion criteria provided. Collection method: clinical testing. Allele origin: germline. Affected: yes. Study: VKGL Data-share Consensus. Not counted in ClinVar's aggregate classification.

Genome Diagnostics Laboratory, Amsterdam University Medical Center
Classification: Benign. Review status: no assertion criteria provided. Collection method: clinical testing. Allele origin: germline. Affected: yes. Study: VKGL Data-share Consensus. Not counted in ClinVar's aggregate classification.

Joint Genome Diagnostic Labs from Nijmegen and Maastricht, Radboudumc and MUMC+
Classification: Benign. Review status: no assertion criteria provided. Collection method: clinical testing. Allele origin: germline. Affected: yes. Study: VKGL Data-share Consensus. Not counted in ClinVar's aggregate classification.

Literature cited by the submitters: PubMed 16614245 (cited by Women's Health and Genetics/Laboratory Corporation of America, LabCorp); PubMed 19635999 (cited by Women's Health and Genetics/Laboratory Corporation of America, LabCorp); PubMed 19245433 (cited by Women's Health and Genetics/Laboratory Corporation of America, LabCorp); PubMed 22858860 (cited by Women's Health and Genetics/Laboratory Corporation of America, LabCorp).